The following is an entry in ClinVar:

ClinVar aggregate classification (germline): Pathogenic (1 of 4 stars; one submission).

Submission:

Labcorp Genetics (formerly Invitae), Labcorp
Classification: Pathogenic. Last evaluated: 2024-10-17. Review status: criteria provided, single submitter. Criteria: Invitae Variant Classification Sherloc (09022015). Collection method: clinical testing. Allele origin: germline.
Comment: This sequence change falls in intron 23 of the ABCA4 gene. It does not directly change the encoded amino acid sequence of the ABCA4 protein. It affects a nucleotide within the consensus splice site. This variant is not present in population databases (gnomAD no frequency). This variant has been observed in individual(s) with Stargardt disease (PMID: 21911583; internal data). In at least one individual the data is consistent with being in trans (on the opposite chromosome) from a pathogenic variant. Variants that disrupt the consensus splice site are a relatively common cause of aberrant splicing (PMID: 17576681, 9536098). Algorithms developed to predict the effect of sequence changes on RNA splicing suggest that this variant may disrupt the consensus splice site. For these reasons, this variant has been classified as Pathogenic.

Literature cited by the submitters: PubMed 21911583; PubMed 17576681; PubMed 9536098.

NM_000350.3(ABCA4):c.3522+5del

Gene: ABCA4 (ATP binding cassette subfamily A member 4; minus strand). Cytogenetic location: 1p22.1.
Variant type: Deletion.
Coding change: c.3522+5del on transcript NM_000350.3 (MANE Select); 5 bases into the intron after coding-DNA position 3522, one base deleted (G; older notation c.3522+5delG).
Molecular consequence: intron variant.
Genome position (GRCh38, 1-based): chr1:94,041,204, C deleted on the plus strand (G on the coding strand, the reverse complement: ABCA4 is on the minus strand); the first of 2 consecutive C bases (chr1:94,041,204-94,041,205); deleting either gives the same sequence. VCF-style (leftmost placement, unchanged base first): chr1-94041203-AC-A. GRCh37 (hg19) VCF-style: chr1-94506759-AC-A.
Other names: c.3300+5del (NM_001425324.1).
Identifiers: ClinVar variation 3720221 (VCV003720221.2).